The following is an entry in ClinVar:

ClinVar aggregate classification (germline): Uncertain significance (1 of 4 stars; one submission).

Conditions:
Hermansky-Pudlak syndrome 2 (HPS2). Also called: Platelet defects and oculocutaneous albinism. Identifiers: Orphanet 183678, Orphanet 79430, MedGen C1842362, MONDO:0011997, OMIM 608233.

gnomAD v4.1: 2 of 1,613,516 alleles (0.00012%); no homozygotes.

Submission:

Labcorp Genetics (formerly Invitae), Labcorp
Classification: Uncertain significance for Hermansky-Pudlak syndrome 2. Last evaluated: 2025-03-31. Review status: criteria provided, single submitter. Criteria: Invitae Variant Classification Sherloc (09022015). Collection method: clinical testing. Allele origin: germline.
Comment: This sequence change replaces isoleucine, which is neutral and non-polar, with methionine, which is neutral and non-polar, at codon 465 of the AP3B1 protein (p.Ile465Met). This variant is not present in population databases (gnomAD no frequency). This variant has not been reported in the literature in individuals affected with AP3B1-related conditions. An algorithm developed to predict the effect of missense changes on protein structure and function (PolyPhen-2) suggests that this variant is likely to be disruptive. In summary, the available evidence is currently insufficient to determine the role of this variant in disease. Therefore, it has been classified as a Variant of Uncertain Significance.

NM_003664.5(AP3B1):c.1395A>G (p.Ile465Met)

Gene: AP3B1 (adaptor related protein complex 3 subunit beta 1; minus strand). Cytogenetic location: 5q14.1.
Variant type: single nucleotide variant.
Coding change: c.1395A>G on transcript NM_003664.5 (MANE Select); coding-DNA position 1395, A replaced by G.
Protein change: p.Ile465Met; replaces isoleucine 465 with methionine.
Molecular consequence: missense variant.
Genome position (GRCh38, 1-based): chr5:78,156,336, T>C on the plus strand (A>G on the coding strand, the complement: AP3B1 is on the minus strand). VCF-style: chr5-78156336-T-C. GRCh37 (hg19) VCF-style: chr5-77452160-T-C.
Other names: c.1248A>G, p.Ile416Met (NM_001271769.2); c.1395A>G, p.Ile465Met (NM_001410752.1); short protein forms I416M, I465M.
Identifiers: ClinVar variation 3618022 (VCV003618022.2).